The following is an entry in ClinVar:

NM_001388492.1(HTT):c.6943C>G (p.Leu2315Val)

Gene: HTT (huntingtin; plus strand). Cytogenetic location: 4p16.3.
Variant type: single nucleotide variant.
Coding change: c.6943C>G on transcript NM_001388492.1 (MANE Select); coding-DNA position 6943, C replaced by G.
Protein change: p.Leu2315Val; replaces leucine 2315 with valine.
Molecular consequence: missense variant.
Genome position (GRCh38, 1-based): chr4:3,214,126, C>G. VCF-style: chr4-3214126-C-G. GRCh37 (hg19) VCF-style: chr4-3215853-C-G.
Other names: c.6949C>G, p.Leu2317Val (NM_002111.8); short protein forms L2315V, L2317V.
Identifiers: ClinVar variation 1446252 (VCV001446252.6), dbSNP rs2110278294, ClinGen allele CA356093768.

ClinVar aggregate classification (germline): Uncertain significance (1 of 4 stars; one submission).

Submission:

Labcorp Genetics (formerly Invitae), Labcorp
Classification: Uncertain significance. Last evaluated: 2021-04-27. Review status: criteria provided, single submitter. Criteria: Invitae Variant Classification Sherloc (09022015). Collection method: clinical testing. Allele origin: germline.
Comment: This variant is not present in population databases (ExAC no frequency). This variant has not been reported in the literature in individuals with HTT-related conditions. Experimental studies and prediction algorithms are not available or were not evaluated, and the functional significance of this variant is currently unknown. In summary, the available evidence is currently insufficient to determine the role of this variant in disease. Therefore, it has been classified as a Variant of Uncertain Significance. This sequence change replaces leucine with valine at codon 2317 of the HTT protein (p.Leu2317Val). The leucine residue is moderately conserved and there is a small physicochemical difference between leucine and valine.